The following is an entry in ClinVar:

ClinVar aggregate classification (germline): Uncertain significance (1 of 4 stars; one submission).

gnomAD v4.1: 7 of 1,609,570 alleles (0.00043%); highest among the groups gnomAD compares: South Asian, 0.0011%; no homozygotes.

Submission:

Labcorp Genetics (formerly Invitae), Labcorp
Classification: Uncertain significance. Last evaluated: 2025-03-23. Review status: criteria provided, single submitter. Criteria: Invitae Variant Classification Sherloc (09022015). Collection method: clinical testing. Allele origin: germline.
Comment: This sequence change replaces isoleucine, which is neutral and non-polar, with valine, which is neutral and non-polar, at codon 836 of the GUCY2C protein (p.Ile836Val). This variant is present in population databases (no rsID available, gnomAD 0.01%). This variant has not been reported in the literature in individuals affected with GUCY2C-related conditions. Invitae Evidence Modeling of protein sequence and biophysical properties (such as structural, functional, and spatial information, amino acid conservation, physicochemical variation, residue mobility, and thermodynamic stability) indicates that this missense variant is not expected to disrupt GUCY2C protein function with a negative predictive value of 80%. In summary, the available evidence is currently insufficient to determine the role of this variant in disease. Therefore, it has been classified as a Variant of Uncertain Significance.

NM_004963.4(GUCY2C):c.2506A>G (p.Ile836Val)

Gene: GUCY2C (guanylate cyclase 2C; minus strand). Cytogenetic location: 12p12.3.
Variant type: single nucleotide variant.
Coding change: c.2506A>G on transcript NM_004963.4 (MANE Select); coding-DNA position 2506, A replaced by G.
Protein change: p.Ile836Val; replaces isoleucine 836 with valine.
Molecular consequence: missense variant.
Genome position (GRCh38, 1-based): chr12:14,622,100, T>C on the plus strand (A>G on the coding strand, the complement: GUCY2C is on the minus strand). VCF-style: chr12-14622100-T-C. GRCh37 (hg19) VCF-style: chr12-14775034-T-C.
Other names: short protein forms I836V.
Identifiers: ClinVar variation 4767409 (VCV004767409.1).